The following is an entry in ClinVar:

ClinVar aggregate classification (germline): Uncertain significance (1 of 4 stars; one submission).

Allele frequency attached by ClinVar (database versions not stated): 1000 Genomes Project 30x 0.00016; 1000 Genomes Project 0.00020.
gnomAD v4.1: 1 of 1,614,124 alleles (0.000062%); highest among the groups gnomAD compares: South Asian, 0.0011%; no homozygotes.

Submission:

Labcorp Genetics (formerly Invitae), Labcorp
Classification: Uncertain significance. Last evaluated: 2023-03-10. Review status: criteria provided, single submitter. Criteria: Invitae Variant Classification Sherloc (09022015). Collection method: clinical testing. Allele origin: germline.
Comment: This sequence change replaces histidine, which is basic and polar, with tyrosine, which is neutral and polar, at codon 638 of the NTRK2 protein (p.His638Tyr). This variant is present in population databases (rs552897673, gnomAD 0.003%). This variant has not been reported in the literature in individuals affected with NTRK2-related conditions. Advanced modeling of protein sequence and biophysical properties (such as structural, functional, and spatial information, amino acid conservation, physicochemical variation, residue mobility, and thermodynamic stability) performed at Invitae indicates that this missense variant is not expected to disrupt NTRK2 protein function. In summary, the available evidence is currently insufficient to determine the role of this variant in disease. Therefore, it has been classified as a Variant of Uncertain Significance.

NM_006180.6(NTRK2):c.1912C>T (p.His638Tyr)

Gene: NTRK2 (neurotrophic receptor tyrosine kinase 2; plus strand). Cytogenetic location: 9q21.33.
Variant type: single nucleotide variant.
Coding change: c.1912C>T on transcript NM_006180.6 (MANE Select); coding-DNA position 1912, C replaced by T.
Protein change: p.His638Tyr; replaces histidine 638 with tyrosine.
Molecular consequence: missense variant.
Genome position (GRCh38, 1-based): chr9:84,948,609, C>T. VCF-style: chr9-84948609-C-T. GRCh37 (hg19) VCF-style: chr9-87563524-C-T.
Other names: c.1864C>T, p.His622Tyr (NM_001018064.3, NM_001369532.1, NM_001369533.1); c.1828C>T, p.His610Tyr (NM_001369534.1); c.1396C>T, p.His466Tyr (NM_001369535.1); c.1444C>T, p.His482Tyr (NM_001369536.1); c.1912C>T, p.His638Tyr (NM_001381928.1); short protein forms H610Y, H622Y, H466Y, H482Y, H638Y.
Identifiers: ClinVar variation 2798059 (VCV002798059.3), dbSNP rs552897673, ClinGen allele CA5105862.